The following is an entry in ClinVar:

NM_144687.4(NLRP12):c.2792A>G (p.Glu931Gly)

Gene: NLRP12 (NLR family pyrin domain containing 12; minus strand). Cytogenetic location: 19q13.42.
Variant type: single nucleotide variant.
Coding change: c.2792A>G on transcript NM_144687.4 (MANE Select); coding-DNA position 2792, A replaced by G.
Protein change: p.Glu931Gly; replaces glutamic acid 931 with glycine.
Molecular consequence: missense variant. On other transcripts: intron variant (1).
Genome position (GRCh38, 1-based): chr19:53,798,378, T>C on the plus strand (A>G on the coding strand, the complement: NLRP12 is on the minus strand). VCF-style: chr19-53798378-T-C. GRCh37 (hg19) VCF-style: chr19-54301632-T-C.
Other names: c.2795A>G, p.Glu932Gly (NM_001277126.2); c.2757-2349A>G (NM_001277129.1); c.2792A>G (NM_144687.2); short protein forms E931G, E932G.
Identifiers: ClinVar variation 330008 (VCV000330008.7), dbSNP rs566677129, ClinGen allele CA9638897.

ClinVar aggregate classification (germline): Conflicting classifications of pathogenicity. Review status: criteria provided, conflicting classifications (1 of 4 stars). 2 submissions from 2 submitters: Uncertain significance (1); Likely benign (1). Last evaluated 2023-04-18.

Conditions:
Inborn genetic diseases. Identifiers: MedGen C0950123, MeSH D030342.
Familial cold autoinflammatory syndrome 2 (FCAS2). Identifiers: Orphanet 247868, MedGen C2673198, MONDO:0012724, OMIM 611762.

Allele frequency attached by ClinVar (database versions not stated): gnomAD exomes below 0.00001 and 0.00002; ExAC 0.00001; gnomAD 0.00001; 1000 Genomes Project 30x 0.00016; 1000 Genomes Project 0.00020.
gnomAD v4.1: 8 of 1,613,984 alleles (0.0005%); highest among the groups gnomAD compares: East Asian, 0.018%; no homozygotes.

Submissions (2):

Ambry Genetics
Classification: Uncertain significance for Inborn genetic diseases. Last evaluated: 2023-04-18. Review status: criteria provided, single submitter. Criteria: Ambry Variant Classification Scheme 2023. Collection method: clinical testing. Allele origin: germline.

Illumina Laboratory Services, Illumina
Classification: Likely benign for Familial cold autoinflammatory syndrome 2. Last evaluated: 2017-04-27. Review status: criteria provided, single submitter. Criteria: ICSL Variant Classification Criteria 13 December 2019. Collection method: clinical testing. Allele origin: germline.
Comment: This variant was observed as part of a predisposition screen in an ostensibly healthy population. A literature search was performed for the gene, cDNA change, and amino acid change (where applicable). No publications were found based on this search. Allele frequency data from public databases allowed determination this variant is unlikely to cause disease. Therefore, this variant is classified as likely benign.